The following is an entry in ClinVar:

ClinVar aggregate classification (germline): Uncertain significance (1 of 4 stars; one submission).

Allele frequency attached by ClinVar (database versions not stated): gnomAD 0.00001; gnomAD exomes 0.00001; ExAC 0.00002; TOPMed 0.00003.
gnomAD v4.1: 12 of 1,614,036 alleles (0.00074%); highest among the groups gnomAD compares: Admixed American, 0.013%; no homozygotes.

Submission:

Labcorp Genetics (formerly Invitae), Labcorp
Classification: Uncertain significance. Last evaluated: 2022-06-27. Review status: criteria provided, single submitter. Criteria: Invitae Variant Classification Sherloc (09022015). Collection method: clinical testing. Allele origin: germline.
Comment: In summary, the available evidence is currently insufficient to determine the role of this variant in disease. Therefore, it has been classified as a Variant of Uncertain Significance. Algorithms developed to predict the effect of missense changes on protein structure and function (SIFT, PolyPhen-2, Align-GVGD) all suggest that this variant is likely to be disruptive. This variant has not been reported in the literature in individuals affected with TBX15-related conditions. This variant is present in population databases (rs781747223, gnomAD 0.01%). This sequence change replaces glycine, which is neutral and non-polar, with arginine, which is basic and polar, at codon 364 of the TBX15 protein (p.Gly364Arg).

NM_001330677.2(TBX15):c.1408G>A (p.Gly470Arg)

Gene: TBX15 (T-box transcription factor 15; minus strand). Cytogenetic location: 1p12.
Variant type: single nucleotide variant.
Coding change: c.1408G>A on transcript NM_001330677.2 (MANE Select); coding-DNA position 1408, G replaced by A.
Protein change: p.Gly470Arg; replaces glycine 470 with arginine.
Molecular consequence: missense variant.
Genome position (GRCh38, 1-based): chr1:118,885,133, C>T on the plus strand (G>A on the coding strand, the complement: TBX15 is on the minus strand). VCF-style: chr1-118885133-C-T. GRCh37 (hg19) VCF-style: chr1-119427756-C-T.
Other names: c.1090G>A, p.Gly364Arg (NM_152380.3); short protein forms G470R, G364R.
Identifiers: ClinVar variation 1910362 (VCV001910362.5), dbSNP rs781747223, ClinGen allele CA1034856.